The following is an entry in ClinVar:

ClinVar aggregate classification (germline): Pathogenic. Review status: reviewed by expert panel (3 of 4 stars). 6 submissions from 6 submitters: Pathogenic (1). 5 of the submissions do not count toward it. Last evaluated 2023-08-25.

Conditions:
CDH1-related diffuse gastric and lobular breast cancer syndrome. Also called: CDH1-related diffuse gastric and lobular breast cancer. Identifiers: MedGen CN311521, MONDO:0100488.
Hereditary cancer-predisposing syndrome. Also called: Hereditary neoplastic syndrome; Hereditary Cancer Syndrome; Neoplastic Syndromes, Hereditary; Tumor predisposition. Identifiers: Orphanet 140162, MedGen C0027672, MeSH D009386, MONDO:0015356.
Hereditary diffuse gastric adenocarcinoma (HDGC). Also called: DIFFUSE GASTRIC AND LOBULAR BREAST CANCER SYNDROME. Identifiers: Orphanet 26106, MedGen C1708349, MONDO:0007648, OMIM 137215.

Submissions (6):

Clingen Gastric Cancer Variant Curation Expert Panel
Classification: Pathogenic for CDH1-related diffuse gastric and lobular breast cancer syndrome. Last evaluated: 2023-08-25. Review status: reviewed by expert panel. Criteria: ClinGen CDH1 ACMG Specifications V3.1. Collection method: curation. Allele origin: germline. Inheritance: Autosomal dominant inheritance.
Comment: The c.1587dup (p.Ala530fs) variant is predicted to result in a premature stop codon that leads to a truncated or absent protein (PVS1, PM5_Supporting). The variant is absent in the gnomAD cohort (PM2_Supporting). This variant has been identified in a family meeting HDGC clinical criteria (PS4_Supporting; SCV000580697.3). In summary, this variant meets criteria to be classified as Pathogenic based on the ACMG/AMP criteria applied as specified by the CDH1 Variant Curation Expert Panel (Variant Interpretation Guidelines Version 3.1): PVS1, PM2_Supporting, PS4_Supporting, PM5_Supporting.

Ambry Genetics
Classification: Pathogenic for Hereditary cancer-predisposing syndrome. Last evaluated: 2025-10-01. Review status: criteria provided, single submitter. Criteria: Ambry Variant Classification Scheme 2023. Collection method: clinical testing. Allele origin: germline. Not counted in ClinVar's aggregate classification.
Comment: The c.1587dupT pathogenic mutation, located in coding exon 11 of the CDH1 gene, results from a duplication of T at nucleotide position 1587, causing a translational frameshift with a predicted alternate stop codon (p.A530Cfs*7). This variant was reported in individuals with features consistent with CDH1-related diffuse gastric and lobular breast cancer (DGLBC) (Ambry internal data). This variant is considered to be rare based on population cohorts in the Genome Aggregation Database (gnomAD). This alteration is expected to result in loss of function by premature protein truncation or nonsense-mediated mRNA decay. As such, this alteration is interpreted as a disease-causing mutation.

Labcorp Genetics (formerly Invitae), Labcorp
Classification: Pathogenic for Hereditary diffuse gastric adenocarcinoma. Last evaluated: 2024-09-25. Review status: criteria provided, single submitter. Criteria: Invitae Variant Classification Sherloc (09022015). Collection method: clinical testing. Allele origin: germline. Not counted in ClinVar's aggregate classification.
Comment: This sequence change creates a premature translational stop signal (p.Ala530Cysfs*7) in the CDH1 gene. It is expected to result in an absent or disrupted protein product. Loss-of-function variants in CDH1 are known to be pathogenic (PMID: 15235021, 20373070). This variant is not present in population databases (gnomAD no frequency). This variant has not been reported in the literature in individuals affected with CDH1-related conditions. ClinVar contains an entry for this variant (Variation ID: 422539). For these reasons, this variant has been classified as Pathogenic.

Myriad Genetics, Inc.
Classification: Pathogenic for Hereditary diffuse gastric adenocarcinoma. Last evaluated: 2023-06-14. Review status: criteria provided, single submitter. Criteria: Myriad Autosomal Dominant, Autosomal Recessive and X-Linked Classification Criteria (2023). Collection method: clinical testing. Allele origin: unknown. Not counted in ClinVar's aggregate classification.
Comment: This variant is considered pathogenic. This variant creates a frameshift predicted to result in premature protein truncation.

Quest Diagnostics Nichols Institute San Juan Capistrano
Classification: Likely pathogenic. Last evaluated: 2020-02-25. Review status: criteria provided, single submitter. Criteria: Quest Diagnostics criteria. Collection method: clinical testing. Allele origin: unknown. Not counted in ClinVar's aggregate classification.
Comment: The variant results in a shift of the reading frame, and is therefore predicted to result in the loss of a functional protein. Not found in the total gnomAD dataset, and the data is high quality.

GeneDx
Classification: Pathogenic. Last evaluated: 2016-10-13. Review status: criteria provided, single submitter. Criteria: GeneDx Variant Classification (06012015). Collection method: clinical testing. Allele origin: germline. Affected: yes. Not counted in ClinVar's aggregate classification.
Comment: This duplication of one nucleotide in CDH1 is denoted c.1587dupT at the cDNA level and p.Ala530CysfsX7 (A530CfsX7) at the protein level. The normal sequence, with the base that is duplicated in braces, is ACAC[T]GCCA. The duplication causes a frameshift which changes an Alanine to a Cysteine at codon 530, and creates a premature stop codon at position 7 of the new reading frame. This variant is predicted to cause loss of normal protein function through either protein truncation or nonsense-mediated mRNA decay. Although this variant has not, to our knowledge, been reported in the literature, an adjacent variant CDH1 c.1588insC which causes a similar frameshift has been reported in a diffuse gastric cancer kindred (Guilford 1999). Based on the currently available information, we consider CDH1 c.1587dupT to be pathogenic.

Literature cited by the submitters: PubMed 15235021 (cited by Labcorp Genetics (formerly Invitae), Labcorp); PubMed 20373070 (cited by Labcorp Genetics (formerly Invitae), Labcorp).

NM_004360.5(CDH1):c.1587dup (p.Ala530fs)

Gene: CDH1 (cadherin 1; plus strand). Cytogenetic location: 16q22.1.
Variant type: Duplication.
Coding change: c.1587dup on transcript NM_004360.5 (MANE Select); coding-DNA position 1587, one base duplicated (T; older notation c.1587dupT).
Protein change: p.Ala530fs; shifts the reading frame from alanine 530.
Molecular consequence: frameshift variant. On other transcripts: intron variant (1).
Genome position (GRCh38, 1-based): chr16:68,819,301, T duplicated. VCF-style (leftmost placement, unchanged base first): chr16-68819300-C-CT. GRCh37 (hg19) VCF-style: chr16-68853203-C-CT.
Other names: c.1587dup (LRG_301t1); c.1404dup, p.Ala469fs (NM_001317184.2); c.39dup, p.Ala14fs (NM_001317185.2); c.-254-2700dup (NM_001317186.2); short protein forms A14fs, A530fs, A469fs.
Identifiers: ClinVar variation 422539 (VCV000422539.19), dbSNP rs1555516532, ClinGen allele CA16620251.
Genomic context (GRCh38, chr16:68,819,300, plus strand): 5'-GCTGGTCCTATTCTAAAAGCCAGAGCTTGTCCCCGTTCAGATATCGGATTTGGAGAGACA[C>CT]TGCCAACTGGCTGGAGATTAATCCGGACACTGGTGCCATTTCCACTCGGGCTGAGCTGGA-3'